The following is an entry in ClinVar:

ClinVar aggregate classification (germline): Pathogenic. Review status: criteria provided, single submitter (1 of 4 stars). 2 submissions from 2 submitters: Pathogenic (1). 1 of the submissions does not count toward it. Last evaluated 2024-12-24.

Conditions:
Retinitis pigmentosa (RP). Identifiers: Orphanet 791, MedGen C0035334, MeSH D012174, MONDO:0019200, OMIM 268000. Inheritance: Autosomal dominant, autosomal recessive and X linked inheritance.

Allele frequency attached by ClinVar (database versions not stated): gnomAD 0.00001; TOPMed 0.00003.
gnomAD v4.1: 15 of 1,613,938 alleles (0.00093%); highest among the groups gnomAD compares: South Asian, 0.0022%; no homozygotes.

Submissions (2):

Labcorp Genetics (formerly Invitae), Labcorp
Classification: Pathogenic. Last evaluated: 2024-12-24. Review status: criteria provided, single submitter. Criteria: Invitae Variant Classification Sherloc (09022015). Collection method: clinical testing. Allele origin: germline.
Comment: This sequence change creates a premature translational stop signal (p.Arg560*) in the CNGA1 gene. While this is not anticipated to result in nonsense mediated decay, it is expected to disrupt the last 131 amino acid(s) of the CNGA1 protein. This variant is present in population databases (rs567961453, gnomAD 0.007%). This premature translational stop signal has been observed in individual(s) with retinitis pigmentosa (PMID: 25611614). ClinVar contains an entry for this variant (Variation ID: 438165). This variant disrupts a region of the CNGA1 protein in which other variant(s) (p.Tyr648*) have been determined to be pathogenic (internal data). This suggests that this is a clinically significant region of the protein, and that variants that disrupt it are likely to be disease-causing. For these reasons, this variant has been classified as Pathogenic.

NIHR Bioresource Rare Diseases, University of Cambridge
Classification: Pathogenic for Retinitis pigmentosa. Last evaluated: 2015-01-01. Review status: no assertion criteria provided. Collection method: research. Allele origin: unknown. Affected: yes. Observed: 2 variant alleles. Not counted in ClinVar's aggregate classification.

Literature cited by the submitters: PubMed 25611614 (cited by Labcorp Genetics (formerly Invitae), Labcorp and NIHR Bioresource Rare Diseases, University of Cambridge); PubMed 28041643 (cited by NIHR Bioresource Rare Diseases, University of Cambridge).

NM_001379270.1(CNGA1):c.1666C>T (p.Arg556Ter)

Genes: CNGA1 (cyclic nucleotide gated channel subunit alpha 1; minus strand), LOC101927157 (uncharacterized LOC101927157; plus strand). Cytogenetic location: 4p12.
Variant type: single nucleotide variant.
Coding change: c.1666C>T on transcript NM_001379270.1 (MANE Select); coding-DNA position 1666, C replaced by T.
Protein change: p.Arg556Ter; replaces arginine 556 with a stop codon.
Molecular consequence: nonsense.
Genome position (GRCh38, 1-based): chr4:47,936,816, G>A on the plus strand (C>T on the coding strand, the complement: CNGA1 is on the minus strand). VCF-style: chr4-47936816-G-A. GRCh37 (hg19) VCF-style: chr4-47938833-G-A.
Other names: c.1666C>T, p.Arg556Ter (NM_000087.5, NM_001142564.2); short protein forms R629*, R556*.
Identifiers: ClinVar variation 438165 (VCV000438165.7), dbSNP rs567961453, ClinGen allele CA2911032.
Genomic context (GRCh38, chr4:47,936,816, plus strand): 5'-CATCTTTTGAGAGACAGAACAGGTCTGAGTAGCCAATACTTTTAATATTGGCCGTTCTTC[G>A]ATTGCCAGCTTTGCTCCCTTTAATGTTAAGAATGCTGATCTCACCGAAGTAGCTGCCATC-3'